The following is an entry in ClinVar:

ClinVar aggregate classification (germline): Pathogenic (1 of 4 stars; one submission).

Conditions:
Methylcobalamin deficiency type cblG (HMAG). Also called: HOMOCYSTINURIA-MEGALOBLASTIC ANEMIA DUE TO DEFECT IN COBALAMIN METABOLISM, cblG COMPLEMENTATION TYPE; HOMOCYSTINURIA-MEGALOBLASTIC ANEMIA, cblG TYPE; HOMOCYSTINURIA-MEGALOBLASTIC ANEMIA, cblG COMPLEMENTATION TYPE; Functional methionine synthase deficiency type cblG. Identifiers: Orphanet 2170, Orphanet 622, MedGen C1855128, MONDO:0009609, OMIM 250940.

Submission:

Stanford Starfish Project, Stanford University
Classification: Pathogenic for Methylcobalamin deficiency type cblG. Last evaluated: 2026-01-28. Review status: criteria provided, single submitter. Criteria: ACMG Guidelines, 2015. Collection method: provider interpretation. Allele origin: maternal. Inheritance: Autosomal recessive inheritance. Affected: yes. Observed: 1 compound heterozygote.
Comment: This variant is predicted to result in the substitution of tryptophan by cysteine at amino acid 975 (p.W975C). This variant is rare in large population databases with an allele frequency of 0.0004237% in European populations per the Genome Aggregation Database. See Observation 1 for details on clinical features. Variant present in trans with another variant in MTR currently reported as a VUS: c.994A>G p.R332G.

NM_000254.3(MTR):c.2925G>T (p.Trp975Cys)

Gene: MTR (5-methyltetrahydrofolate-homocysteine methyltransferase; plus strand). Cytogenetic location: 1q43.
Variant type: single nucleotide variant.
Coding change: c.2925G>T on transcript NM_000254.3 (MANE Select); coding-DNA position 2925, G replaced by T.
Protein change: p.Trp975Cys; replaces tryptophan 975 with cysteine.
Molecular consequence: missense variant.
Genome position (GRCh38, 1-based): chr1:236,889,254, G>T. VCF-style: chr1-236889254-G-T. GRCh37 (hg19) VCF-style: chr1-237052554-G-T.
Other names: c.2772G>T, p.Trp924Cys (NM_001291939.1); c.1704G>T, p.Trp568Cys (NM_001291940.2); c.2736G>T, p.Trp912Cys (NM_001410942.1); short protein forms W568C, W912C, W924C, W975C.
Identifiers: ClinVar variation 4687883 (VCV004687883.1).